The following is an entry in ClinVar:

NM_001204.7(BMPR2):c.*3353T>C

Gene: BMPR2 (bone morphogenetic protein receptor type 2; plus strand). Cytogenetic location: 2q33.2.
Variant type: single nucleotide variant.
Coding change: c.*3353T>C on transcript NM_001204.7 (MANE Select); 3353 bases downstream of the stop codon, T replaced by C.
Molecular consequence: 3 prime UTR variant.
Genome position (GRCh38, 1-based): chr2:202,563,299, T>C. VCF-style: chr2-202563299-T-C. GRCh37 (hg19) VCF-style: chr2-203428022-T-C.
Other names: c.*3353T>C (LRG_712t1).
Identifiers: ClinVar variation 333688 (VCV000333688.5), dbSNP rs181966045, ClinGen allele CA10612083.

ClinVar aggregate classification (germline): Likely benign (1 of 4 stars; one submission).

Conditions:
Pulmonary hypertension, primary, 1 (PPH1). Also called: Pulmonary hypertension, familial primary, 1, with or without HHT. Identifiers: Orphanet 422, MedGen C4552070, MONDO:0024533, OMIM 178600.

Allele frequency attached by ClinVar (database versions not stated): 1000 Genomes Project 30x 0.00172; gnomAD 0.00319 and 0.00331; 1000 Genomes Project 0.00100; TOPMed 0.00306.

Submission:

Illumina Laboratory Services, Illumina
Classification: Likely benign for Pulmonary hypertension, primary, 1. Last evaluated: 2018-01-12. Review status: criteria provided, single submitter. Criteria: ICSL Variant Classification Criteria 13 December 2019. Collection method: clinical testing. Allele origin: germline.
Comment: This variant was observed in the ICSL laboratory as part of a predisposition screen in an ostensibly healthy population. It had not been previously curated by ICSL or reported in the Human Gene Mutation Database (HGMD: prior to June 1st, 2018), and was therefore a candidate for classification through an automated scoring system. Utilizing variant allele frequency, disease prevalence and penetrance estimates, and inheritance mode, an automated score was calculated to assess if this variant is too frequent to cause the disease. Based on the score and internal cut-off values, a variant classified as likely benign is not then subjected to further curation. The score for this variant resulted in a classification of likely benign for this disease.